The following is an entry in ClinVar:

ClinVar aggregate classification (germline): Uncertain significance (1 of 4 stars; one submission).

Conditions:
Wilms tumor 1 (WT1). Also called: Wilms tumor, somatic. Identifiers: Orphanet 654, MedGen CN033288, MONDO:0008679, OMIM 194070.

Submission:

Labcorp Genetics (formerly Invitae), Labcorp
Classification: Uncertain significance for Wilms tumor 1. Last evaluated: 2022-03-08. Review status: criteria provided, single submitter. Criteria: Invitae Variant Classification Sherloc (09022015). Collection method: clinical testing. Allele origin: germline.
Comment: This variant has not been reported in the literature in individuals affected with GPC3-related conditions. In summary, the available evidence is currently insufficient to determine the role of this variant in disease. Therefore, it has been classified as a Variant of Uncertain Significance. Algorithms developed to predict the effect of missense changes on protein structure and function are either unavailable or do not agree on the potential impact of this missense change (SIFT: "Deleterious"; PolyPhen-2: "Probably Damaging"; Align-GVGD: "Class C0"). This variant is not present in population databases (gnomAD no frequency). This sequence change replaces glycine, which is neutral and non-polar, with cysteine, which is neutral and slightly polar, at codon 69 of the GPC3 protein (p.Gly69Cys).

NM_004484.4(GPC3):c.205G>T (p.Gly69Cys)

Gene: GPC3 (glypican 3; minus strand). Cytogenetic location: Xq26.2.
Variant type: single nucleotide variant.
Coding change: c.205G>T on transcript NM_004484.4 (MANE Select); coding-DNA position 205, G replaced by T.
Protein change: p.Gly69Cys; replaces glycine 69 with cysteine.
Molecular consequence: missense variant. On other transcripts: intron variant (1).
Genome position (GRCh38, 1-based): chrX:133,953,182, C>A on the plus strand (G>T on the coding strand, the complement: GPC3 is on the minus strand). VCF-style: chrX-133953182-C-A. GRCh37 (hg19) VCF-style: chrX-133087209-C-A.
Other names: c.205G>T, p.Gly69Cys (NM_001164617.2, NM_001164618.2); c.175+32093G>T (NM_001164619.2); short protein forms G69C.
Identifiers: ClinVar variation 1377136 (VCV001377136.6), dbSNP rs2124634887, ClinGen allele CA414707565.